The following is an entry in ClinVar:

NM_000492.4(CFTR):c.2861A>G (p.His954Arg)

Gene: CFTR (CF transmembrane conductance regulator; plus strand). Cytogenetic location: 7q31.2.
Variant type: single nucleotide variant.
Coding change: c.2861A>G on transcript NM_000492.4 (MANE Select); coding-DNA position 2861, A replaced by G.
Protein change: p.His954Arg; replaces histidine 954 with arginine.
Molecular consequence: missense variant.
Genome position (GRCh38, 1-based): chr7:117,603,735, A>G. VCF-style: chr7-117603735-A-G. GRCh37 (hg19) VCF-style: chr7-117243789-A-G.
Other names: short protein forms H954R.
Identifiers: ClinVar variation 1796961 (VCV001796961.2), dbSNP rs397508446, ClinGen allele CA368987372.

ClinVar aggregate classification (germline): Uncertain significance (1 of 4 stars; one submission).

Conditions:
Cystic fibrosis (CF). Also called: MUCOVISCIDOSIS. Identifiers: Orphanet 586, MedGen C0010674, MONDO:0009061, OMIM 219700. Disease mechanism: loss of function.

Allele frequency attached by ClinVar (database versions not stated): gnomAD exomes below 0.00001; TOPMed below 0.00001.
gnomAD v4.1: 1 of 1,614,086 alleles (0.000062%); highest among the groups gnomAD compares: Non-Finnish European, 0.000085%; no homozygotes.

Submission:

Ambry Genetics
Classification: Uncertain significance for Cystic fibrosis. Last evaluated: 2022-04-14. Review status: criteria provided, single submitter. Criteria: Ambry Variant Classification Scheme 2023. Collection method: clinical testing. Allele origin: germline.
Comment: The p.H954R variant (also known as c.2861A>G), located in coding exon 17 of the CFTR gene, results from an A to G substitution at nucleotide position 2861. The histidine at codon 954 is replaced by arginine, an amino acid with highly similar properties. This amino acid position is not well conserved in available vertebrate species, and arginine is the reference amino acid in other vertebrate species. In addition, the in silico prediction for this alteration is inconclusive. Since supporting evidence is limited at this time, the clinical significance of this alteration remains unclear.